The following is an entry in ClinVar:

NM_002225.5(IVD):c.456+26G>A

Gene: IVD (isovaleryl-CoA dehydrogenase; plus strand). Cytogenetic location: 15q15.1.
Variant type: single nucleotide variant.
Coding change: c.456+26G>A on transcript NM_002225.5 (MANE Select); 26 bases into the intron after coding-DNA position 456, G replaced by A.
Molecular consequence: intron variant.
Genome position (GRCh38, 1-based): chr15:40,410,823, G>A. VCF-style: chr15-40410823-G-A. GRCh37 (hg19) VCF-style: chr15-40703022-G-A.
Other names: c.543+26G>A (NM_001354600.3, NM_001354599.3); c.456+26G>A (NM_001354598.3, NM_001354601.3); c.408+26G>A (NM_001354597.3); c.366+26G>A (NM_001159508.3).
Identifiers: ClinVar variation 2645173 (VCV002645173.24), dbSNP rs201864482, ClinGen allele CA7480627.

ClinVar aggregate classification (germline): Likely benign (1 of 4 stars; one submission).

Allele frequency attached by ClinVar (database versions not stated): 1000 Genomes Project 0.00020; 1000 Genomes Project 30x 0.00031; ESP Exome Variant Server 0.00200; gnomAD 0.00224.
gnomAD v4.1: 2,756 of 1,612,660 alleles (0.17%); highest among the groups gnomAD compares: Non-Finnish European, 0.19%; 18 homozygotes.

Submission:

CeGaT Center for Human Genetics Tuebingen
Classification: Likely benign. Last evaluated: 2025-11-01. Review status: criteria provided, single submitter. Criteria: CeGaT Center For Human Genetics Tuebingen Variant Classification Criteria Version 2. Collection method: clinical testing. Allele origin: germline. Affected: yes. Observed: 7 variant alleles.
Comment: IVD: BS2